The following is an entry in ClinVar:

NM_020191.4(MRPS22):c.604C>T (p.Arg202Cys)

Gene: MRPS22 (mitochondrial ribosomal protein S22; plus strand). Cytogenetic location: 3q23.
Variant type: single nucleotide variant.
Coding change: c.604C>T on transcript NM_020191.4 (MANE Select); coding-DNA position 604, C replaced by T.
Protein change: p.Arg202Cys; replaces arginine 202 with cysteine.
Molecular consequence: missense variant.
Genome position (GRCh38, 1-based): chr3:139,350,278, C>T. VCF-style: chr3-139350278-C-T. GRCh37 (hg19) VCF-style: chr3-139069120-C-T.
Other names: c.481C>T, p.Arg161Cys (NM_001363857.1); c.601C>T, p.Arg201Cys (NM_001363893.1); short protein forms R161C, R201C, R202C.
Identifiers: ClinVar variation 1320421 (VCV001320421.11), dbSNP rs537942799, ClinGen allele CA83994505.

ClinVar aggregate classification (germline): Uncertain significance. Review status: criteria provided, multiple submitters, no conflicts (2 of 4 stars). 3 submissions from 3 submitters: Uncertain significance (3). Last evaluated 2022-02-02.

Conditions:
Inborn genetic diseases. Identifiers: MedGen C0950123, MeSH D030342.

Allele frequency attached by ClinVar (database versions not stated): gnomAD 0.00001 and 0.00002; gnomAD exomes 0.00001; TOPMed 0.00002.

Submissions (3):

Ambry Genetics
Classification: Uncertain significance for Inborn genetic diseases. Last evaluated: 2022-02-02. Review status: criteria provided, single submitter. Criteria: Ambry Variant Classification Scheme 2023. Collection method: clinical testing. Allele origin: germline.

Labcorp Genetics (formerly Invitae), Labcorp
Classification: Uncertain significance. Last evaluated: 2021-12-02. Review status: criteria provided, single submitter. Criteria: Invitae Variant Classification Sherloc (09022015). Collection method: clinical testing. Allele origin: germline.
Comment: In summary, the available evidence is currently insufficient to determine the role of this variant in disease. Therefore, it has been classified as a Variant of Uncertain Significance. Algorithms developed to predict the effect of missense changes on protein structure and function (SIFT, PolyPhen-2, Align-GVGD) all suggest that this variant is likely to be disruptive. ClinVar contains an entry for this variant (Variation ID: 1320421). This variant has not been reported in the literature in individuals affected with MRPS22-related conditions. This variant is present in population databases (rs537942799, gnomAD 0.01%). This sequence change replaces arginine, which is basic and polar, with cysteine, which is neutral and slightly polar, at codon 202 of the MRPS22 protein (p.Arg202Cys).

GeneDx
Classification: Uncertain significance. Last evaluated: 2020-07-06. Review status: criteria provided, single submitter. Criteria: GeneDx Variant Classification Process June 2021. Collection method: clinical testing. Allele origin: germline. Affected: yes.
Comment: Not observed at a significant frequency in large population cohorts (Lek et al., 2016); In silico analysis supports that this missense variant has a deleterious effect on protein structure/function; Has not been previously published as pathogenic or benign to our knowledge